The following is an entry in ClinVar:

ClinVar aggregate classification (germline): Uncertain significance (1 of 4 stars; one submission).

gnomAD v4.1: 2 of 1,614,098 alleles (0.00012%); highest among the groups gnomAD compares: East Asian, 0.0045%; no homozygotes.

Submission:

Ambry Genetics
Classification: Uncertain significance. Last evaluated: 2026-05-28. Review status: criteria provided, single submitter. Criteria: Ambry Variant Classification Scheme 2023. Collection method: clinical testing. Allele origin: germline.
Comment: The p.P1151S variant (also known as c.3451C>T), located in coding exon 21 of the PKP4 gene, results from a C to T substitution at nucleotide position 3451. The proline at codon 1151 is replaced by serine, an amino acid with similar properties. This amino acid position is conserved. In addition, the in silico prediction for this alteration is inconclusive. Based on the available evidence, the clinical significance of this variant remains unclear.

NM_003628.6(PKP4):c.3451C>T (p.Pro1151Ser)

Genes: PKP4 (plakophilin 4; plus strand), PKP4-AS1 (PKP4 antisense RNA 1; minus strand). Cytogenetic location: 2q24.1.
Variant type: single nucleotide variant.
Coding change: c.3451C>T on transcript NM_003628.6 (MANE Select); coding-DNA position 3451, C replaced by T.
Protein change: p.Pro1151Ser; replaces proline 1151 with serine.
Molecular consequence: missense variant.
Genome position (GRCh38, 1-based): chr2:158,680,549, C>T. VCF-style: chr2-158680549-C-T. GRCh37 (hg19) VCF-style: chr2-159537061-C-T.
Other names: c.3448C>T, p.Pro1150Ser (NM_001377221.1, NM_001304969.3, NM_001377219.1 and 1 more transcripts); c.3445C>T, p.Pro1149Ser (NM_001377222.1, NM_001377223.1); c.3442C>T, p.Pro1148Ser (NM_001377224.1); c.3322C>T, p.Pro1108Ser (NM_001377225.1, NM_001005476.4); c.3319C>T, p.Pro1107Ser (NM_001377226.1); c.2422C>T, p.Pro808Ser (NM_001304970.3); c.3451C>T, p.Pro1151Ser (NM_001377218.1); short protein forms P1107S, P1108S, P1148S, P1149S, P1150S, P1151S, P808S.
Identifiers: ClinVar variation 4862022 (VCV004862022.1).
Genomic context (GRCh38, chr2:158,680,549, plus strand): 5'-TTGTATTTGCAGTCTCCTCATAGCTATGAAGATCCTTATTTTGATGACCGAGTTCACTTT[C>T]CAGCTTCTACTGATTACTCAACACAGTATGGACTGAAATCGACCACAAATTATGTAGACT-3'
Protein context (NP_003619.2, residues 1141-1161): DPYFDDRVHF[Pro1151Ser]ASTDYSTQYG